The following is an entry in ClinVar:

NM_012479.4(YWHAG):c.64G>A (p.Asp22Asn)

Gene: YWHAG (tyrosine 3-monooxygenase/tryptophan 5-monooxygenase activation protein gamma; minus strand). Cytogenetic location: 7q11.23.
Variant type: single nucleotide variant.
Coding change: c.64G>A on transcript NM_012479.4 (MANE Select); coding-DNA position 64, G replaced by A.
Protein change: p.Asp22Asn; replaces aspartic acid 22 with asparagine.
Molecular consequence: missense variant.
Genome position (GRCh38, 1-based): chr7:76,358,745, C>T on the plus strand (G>A on the coding strand, the complement: YWHAG is on the minus strand). VCF-style: chr7-76358745-C-T. GRCh37 (hg19) VCF-style: chr7-75988062-C-T.
Other names: short protein forms D22N.
Identifiers: ClinVar variation 2865241 (VCV002865241.3), dbSNP rs1344323633, ClinGen allele CA367758210.

ClinVar aggregate classification (germline): Uncertain significance (1 of 4 stars; one submission).

Allele frequency attached by ClinVar (database versions not stated): gnomAD exomes below 0.00001.
gnomAD v4.1: 1 of 1,591,870 alleles (0.000063%); no homozygotes.

Submission:

Labcorp Genetics (formerly Invitae), Labcorp
Classification: Uncertain significance. Last evaluated: 2025-05-11. Review status: criteria provided, single submitter. Criteria: Invitae Variant Classification Sherloc (09022015). Collection method: clinical testing. Allele origin: germline.
Comment: This sequence change replaces aspartic acid, which is acidic and polar, with asparagine, which is neutral and polar, at codon 22 of the YWHAG protein (p.Asp22Asn). The frequency data for this variant in the population databases is considered unreliable, as metrics indicate poor data quality at this position in the gnomAD database. This variant has not been reported in the literature in individuals affected with YWHAG-related conditions. ClinVar contains an entry for this variant (Variation ID: 2865241). Invitae Evidence Modeling of protein sequence and biophysical properties (such as structural, functional, and spatial information, amino acid conservation, physicochemical variation, residue mobility, and thermodynamic stability) indicates that this missense variant is expected to disrupt YWHAG protein function with a positive predictive value of 80%. In summary, the available evidence is currently insufficient to determine the role of this variant in disease. Therefore, it has been classified as a Variant of Uncertain Significance.